The following is an entry in ClinVar:

NM_001098.3(ACO2):c.1483-18T>A

Gene: ACO2 (aconitase 2; plus strand). Cytogenetic location: 22q13.2.
Variant type: single nucleotide variant.
Coding change: c.1483-18T>A on transcript NM_001098.3 (MANE Select); 18 bases into the intron before coding-DNA position 1483, T replaced by A.
Molecular consequence: intron variant.
Genome position (GRCh38, 1-based): chr22:41,524,828, T>A. VCF-style: chr22-41524828-T-A. GRCh37 (hg19) VCF-style: chr22-41920832-T-A.
Identifiers: ClinVar variation 1960222 (VCV001960222.5), dbSNP rs2518232502, ClinGen allele CA2580099850.

ClinVar aggregate classification (germline): Uncertain significance (1 of 4 stars; one submission).

Submission:

Labcorp Genetics (formerly Invitae), Labcorp
Classification: Uncertain significance. Last evaluated: 2022-07-12. Review status: criteria provided, single submitter. Criteria: Invitae Variant Classification Sherloc (09022015). Collection method: clinical testing. Allele origin: germline.
Comment: This sequence change falls in intron 12 of the ACO2 gene. It does not directly change the encoded amino acid sequence of the ACO2 protein. This variant is not present in population databases (gnomAD no frequency). This variant has not been reported in the literature in individuals affected with ACO2-related conditions. Algorithms developed to predict the effect of sequence changes on RNA splicing suggest that this variant may create or strengthen a splice site. In summary, the available evidence is currently insufficient to determine the role of this variant in disease. Therefore, it has been classified as a Variant of Uncertain Significance.